The following is an entry in ClinVar:

NM_004991.4(MECOM):c.3056G>C (p.Ser1019Thr)

Gene: MECOM (MDS1 and EVI1 complex locus; minus strand). Cytogenetic location: 3q26.2.
Variant type: single nucleotide variant.
Coding change: c.3056G>C on transcript NM_004991.4 (MANE Select); coding-DNA position 3056, G replaced by C.
Protein change: p.Ser1019Thr; replaces serine 1019 with threonine.
Molecular consequence: missense variant.
Genome position (GRCh38, 1-based): chr3:169,093,066, C>G on the plus strand (G>C on the coding strand, the complement: MECOM is on the minus strand). VCF-style: chr3-169093066-C-G. GRCh37 (hg19) VCF-style: chr3-168810854-C-G.
Other names: c.2687G>C, p.Ser896Thr (NM_001105077.4); c.2492G>C, p.Ser831Thr (NM_001105078.4, NM_001205194.2, NM_001366469.2 and 1 more transcripts); c.2468G>C, p.Ser823Thr (NM_001163999.2, NM_001366470.2); c.2465G>C, p.Ser822Thr (NM_001164000.2, NM_001366471.2, NM_001366472.2); c.3029G>C, p.Ser1010Thr (NM_001366466.2); c.2495G>C, p.Ser832Thr (NM_001366467.2, NM_001366468.2); c.2057G>C, p.Ser686Thr (NM_001366473.2); c.1493G>C, p.Ser498Thr (NM_001366474.2); short protein forms S823T, S896T, S686T, S822T, S1019T, S832T, S1010T, S498T.
Identifiers: ClinVar variation 4105908 (VCV004105908.1).

ClinVar aggregate classification (germline): Uncertain significance (1 of 4 stars; one submission).

Conditions:
Inborn genetic diseases. Identifiers: MedGen C0950123, MeSH D030342.

Submission:

Ambry Genetics
Classification: Uncertain significance for Inborn genetic diseases. Last evaluated: 2025-09-01. Review status: criteria provided, single submitter. Criteria: Ambry Variant Classification Scheme 2023. Collection method: clinical testing. Allele origin: germline.
Comment: The p.S1019T variant (also known as c.3056G>C), located in coding exon 14 of the MECOM gene, results from a G to C substitution at nucleotide position 3056. The serine at codon 1019 is replaced by threonine, an amino acid with similar properties. This amino acid position is conserved. In addition, this alteration is predicted to be tolerated by in silico analysis. Based on the available evidence, the clinical significance of this variant remains unclear.